The following is an entry in ClinVar:

NM_024570.4(RNASEH2B):c.697A>C (p.Lys233Gln)

Gene: RNASEH2B (ribonuclease H2 subunit B; plus strand). Cytogenetic location: 13q14.3.
Variant type: single nucleotide variant.
Coding change: c.697A>C on transcript NM_024570.4 (MANE Select); coding-DNA position 697, A replaced by C.
Protein change: p.Lys233Gln; replaces lysine 233 with glutamine.
Molecular consequence: missense variant.
Genome position (GRCh38, 1-based): chr13:50,948,067, A>C. VCF-style: chr13-50948067-A-C. GRCh37 (hg19) VCF-style: chr13-51522203-A-C.
Other names: c.697A>C, p.Lys233Gln (NM_001142279.2); short protein forms K233Q.
Identifiers: ClinVar variation 966986 (VCV000966986.5), dbSNP rs774950202, ClinGen allele CA6985664.

ClinVar aggregate classification (germline): Uncertain significance (1 of 4 stars; one submission).

Conditions:
Aicardi-Goutieres syndrome 2. Identifiers: Orphanet 51, MedGen C3489724, MONDO:0012429, OMIM 610181.

Allele frequency attached by ClinVar (database versions not stated): ExAC 0.00003; gnomAD exomes 0.00003 and 0.00007; TOPMed 0.00003; gnomAD 0.00004.
gnomAD v4.1: 115 of 1,610,892 alleles (0.0071%); highest among the groups gnomAD compares: Middle Eastern, 0.017%; no homozygotes.

Submission:

Labcorp Genetics (formerly Invitae), Labcorp
Classification: Uncertain significance for Aicardi-Goutieres syndrome 2. Last evaluated: 2022-10-10. Review status: criteria provided, single submitter. Criteria: Invitae Variant Classification Sherloc (09022015). Collection method: clinical testing. Allele origin: germline.
Comment: This sequence change replaces lysine, which is basic and polar, with glutamine, which is neutral and polar, at codon 233 of the RNASEH2B protein (p.Lys233Gln). This variant is present in population databases (rs774950202, gnomAD 0.006%). This missense change has been observed in individual(s) with clinical features of systemic lupus erythematosus (PMID: 25500883). ClinVar contains an entry for this variant (Variation ID: 966986). Algorithms developed to predict the effect of missense changes on protein structure and function output the following: SIFT: "Tolerated"; PolyPhen-2: "Benign"; Align-GVGD: "Class C0". The glutamine amino acid residue is found in multiple mammalian species, which suggests that this missense change does not adversely affect protein function. Experimental studies have shown that this missense change affects RNASEH2B function (PMID: 25500883). In summary, the available evidence is currently insufficient to determine the role of this variant in disease. Therefore, it has been classified as a Variant of Uncertain Significance.

Literature cited by the submitters: PubMed 25500883.